The following is an entry in ClinVar:

ClinVar aggregate classification (germline): Likely benign (1 of 4 stars; one submission).

Submission:

CeGaT Center for Human Genetics Tuebingen
Classification: Likely benign. Last evaluated: 2023-06-01. Review status: criteria provided, single submitter. Criteria: CeGaT Center For Human Genetics Tuebingen Variant Classification Criteria Version 2. Collection method: clinical testing. Allele origin: germline. Affected: yes. Observed: 1 variant allele.
Comment: ACBD5: BP4, BP7

NM_145698.5(ACBD5):c.490+1596A>G

Gene: ACBD5 (acyl-CoA binding domain containing 5; minus strand). Cytogenetic location: 10p12.1.
Variant type: single nucleotide variant.
Coding change: c.490+1596A>G on transcript NM_145698.5 (MANE Select); 1596 bases into the intron after coding-DNA position 490, A replaced by G.
Molecular consequence: intron variant.
Genome position (GRCh38, 1-based): chr10:27,221,742, T>C on the plus strand (A>G on the coding strand, the complement: ACBD5 is on the minus strand). VCF-style: chr10-27221742-T-C. GRCh37 (hg19) VCF-style: chr10-27510671-T-C.
Other names: c.490+1596A>G (NM_001352570.1, NM_001352588.1); c.163+1596A>G (NM_001301253.2, NM_001301251.2, NM_001352583.1 and 3 more transcripts); c.385+1596A>G (NM_001352580.2, NM_001352577.2, NM_001352582.2 and 3 more transcripts); c.418+1465A>G (NM_001352575.2, NM_001352574.2, NM_001352576.2); c.196+1465A>G (NM_001352585.1); c.511+1596A>G (NM_001352572.1); c.544+1465A>G (NM_001352568.1); c.523+1465A>G (NM_001352573.1, NM_001352581.1, NM_001352569.1); and 2 more.
Identifiers: ClinVar variation 2640378 (VCV002640378.24), dbSNP rs2540942856, ClinGen allele CA2695199463.